The following is an entry in ClinVar:

NM_003482.4(KMT2D):c.12977C>G (p.Pro4326Arg)

Gene: KMT2D (lysine methyltransferase 2D; minus strand). Cytogenetic location: 12q13.12.
Variant type: single nucleotide variant.
Coding change: c.12977C>G on transcript NM_003482.4 (MANE Select); coding-DNA position 12977, C replaced by G.
Protein change: p.Pro4326Arg; replaces proline 4326 with arginine.
Molecular consequence: missense variant.
Genome position (GRCh38, 1-based): chr12:49,031,728, G>C on the plus strand (C>G on the coding strand, the complement: KMT2D is on the minus strand). VCF-style: chr12-49031728-G-C. GRCh37 (hg19) VCF-style: chr12-49425511-G-C.
Other names: short protein forms P4326R.
Identifiers: ClinVar variation 1004792 (VCV001004792.10), dbSNP rs1038898344, ClinGen allele CA236638904.

ClinVar aggregate classification (germline): Conflicting classifications of pathogenicity. Review status: criteria provided, conflicting classifications (1 of 4 stars). 3 submissions from 3 submitters: Uncertain significance (2); Benign (1). Last evaluated 2024-03-30.

Conditions:
Choanal atresia-athelia-hypothyroidism-delayed puberty-short stature syndrome (BCAHH). Also called: BRANCHIAL ARCH ABNORMALITIES, CHOANAL ATRESIA, ATHELIA, HEARING LOSS, AND HYPOTHYROIDISM SYNDROME. Identifiers: Orphanet 589856, MedGen C5680310, MONDO:0035651, OMIM 620186.
Kabuki syndrome 1 (KABUK1). Also called: KMT2D-Related Kabuki Syndrome. Identifiers: Orphanet 2322, MedGen CN030661, MONDO:0007843, OMIM 147920.
Kabuki syndrome. Also called: NIIKAWA-KUROKI SYNDROME; Kabuki make-up syndrome. Identifiers: Orphanet 2322, MedGen C0796004, MONDO:0016512.

Allele frequency attached by ClinVar (database versions not stated): gnomAD exomes below 0.00001; gnomAD 0.00001; TOPMed 0.00002.

Submissions (3):

Fulgent Genetics
Classification: Uncertain significance for Kabuki syndrome 1; Choanal atresia-athelia-hypothyroidism-delayed puberty-short stature syndrome. Last evaluated: 2024-03-30. Review status: criteria provided, single submitter. Criteria: ACMG Guidelines, 2015. Collection method: clinical testing. Allele origin: germline.

Labcorp Genetics (formerly Invitae), Labcorp
Classification: Benign for Kabuki syndrome. Last evaluated: 2023-07-07. Review status: criteria provided, single submitter. Criteria: Invitae Variant Classification Sherloc (09022015). Collection method: clinical testing. Allele origin: germline.

GeneDx
Classification: Uncertain significance. Last evaluated: 2022-06-22. Review status: criteria provided, single submitter. Criteria: GeneDx Variant Classification Process June 2021. Collection method: clinical testing. Allele origin: germline. Affected: yes.
Comment: In silico analysis supports that this missense variant does not alter protein structure/function; Has not been previously published as pathogenic or benign to our knowledge